The following is an entry in ClinVar:

ClinVar aggregate classification (germline): Uncertain significance (1 of 4 stars; one submission).

Conditions:
Holoprosencephaly 11 (HPE11). Identifiers: Orphanet 2162, MedGen C3280215, MONDO:0013642, OMIM 614226.

Allele frequency attached by ClinVar (database versions not stated): gnomAD exomes below 0.00001; TOPMed below 0.00001; gnomAD 0.00001.
gnomAD v4.1: 2 of 1,613,038 alleles (0.00012%); highest among the groups gnomAD compares: Non-Finnish European, 0.00017%; no homozygotes.

Submission:

Labcorp Genetics (formerly Invitae), Labcorp
Classification: Uncertain significance for Holoprosencephaly 11. Last evaluated: 2023-09-22. Review status: criteria provided, single submitter. Criteria: Invitae Variant Classification Sherloc (09022015). Collection method: clinical testing. Allele origin: germline.
Comment: In summary, the available evidence is currently insufficient to determine the role of this variant in disease. Therefore, it has been classified as a Variant of Uncertain Significance. Advanced modeling of protein sequence and biophysical properties (such as structural, functional, and spatial information, amino acid conservation, physicochemical variation, residue mobility, and thermodynamic stability) has been performed at Invitae for this missense variant, however the output from this modeling did not meet the statistical confidence thresholds required to predict the impact of this variant on CDON protein function. This variant has not been reported in the literature in individuals affected with CDON-related conditions. This variant is not present in population databases (gnomAD no frequency). This sequence change replaces isoleucine, which is neutral and non-polar, with threonine, which is neutral and polar, at codon 891 of the CDON protein (p.Ile891Thr).

NM_001378964.1(CDON):c.2672T>C (p.Ile891Thr)

Gene: CDON (cell adhesion associated, oncogene regulated; minus strand). Cytogenetic location: 11q24.2.
Variant type: single nucleotide variant.
Coding change: c.2672T>C on transcript NM_001378964.1 (MANE Select); coding-DNA position 2672, T replaced by C.
Protein change: p.Ile891Thr; replaces isoleucine 891 with threonine.
Molecular consequence: missense variant.
Genome position (GRCh38, 1-based): chr11:125,989,738, A>G on the plus strand (T>C on the coding strand, the complement: CDON is on the minus strand). VCF-style: chr11-125989738-A-G. GRCh37 (hg19) VCF-style: chr11-125859633-A-G.
Other names: c.2672T>C, p.Ile891Thr (NM_001243597.3, NM_016952.6); short protein forms I891T.
Identifiers: ClinVar variation 2745586 (VCV002745586.3), dbSNP rs1946575604, ClinGen allele CA383202819.
Genomic context (GRCh38, chr11:125,989,738, plus strand): 5'-CCTCCTTCATTGAAGCATTGCATTTTAATGTCATAGGAGGTTTCTGGCTGCAGGTGGCCA[A>G]TCATGTGCCACTGCTTTGAACCTAAAAGGAAAAATAAAAGGCTTTACACATCATACAGCC-3'
Protein context (NP_001365893.1, residues 881-901): VVEGSKQWHM[Ile891Thr]GHLQPETSYD